The following is an entry in ClinVar:

ClinVar aggregate classification (germline): Uncertain significance (1 of 4 stars; one submission).

Conditions:
Spermatogenic failure 18. Identifiers: MedGen C4539783, MONDO:0054615, OMIM 617576.
Ciliary dyskinesia, primary, 37 (CILD37). Also called: CILIARY DYSKINESIA, PRIMARY, 37, WITH OR WITHOUT SITUS INVERSUS. Identifiers: MedGen C4539798, MONDO:0033204, OMIM 617577.

Allele frequency attached by ClinVar (database versions not stated): gnomAD exomes below 0.00001; ExAC 0.00001; TOPMed 0.00002.
gnomAD v4.1: 5 of 1,603,504 alleles (0.00031%); highest among the groups gnomAD compares: Admixed American, 0.0086%; no homozygotes.

Submission:

Labcorp Genetics (formerly Invitae), Labcorp
Classification: Uncertain significance for Ciliary dyskinesia, primary, 37; Spermatogenic failure 18. Last evaluated: 2023-12-01. Review status: criteria provided, single submitter. Criteria: Invitae Variant Classification Sherloc (09022015). Collection method: clinical testing. Allele origin: germline.
Comment: This sequence change replaces phenylalanine, which is neutral and non-polar, with leucine, which is neutral and non-polar, at codon 2144 of the DNAH1 protein (p.Phe2144Leu). The frequency data for this variant in the population databases is considered unreliable, as metrics indicate poor data quality at this position in the gnomAD database. This variant has not been reported in the literature in individuals affected with DNAH1-related conditions. ClinVar contains an entry for this variant (Variation ID: 1417543). Advanced modeling of protein sequence and biophysical properties (such as structural, functional, and spatial information, amino acid conservation, physicochemical variation, residue mobility, and thermodynamic stability) performed at Invitae indicates that this missense variant is not expected to disrupt DNAH1 protein function with a negative predictive value of 80%. In summary, the available evidence is currently insufficient to determine the role of this variant in disease. Therefore, it has been classified as a Variant of Uncertain Significance.

NM_015512.5(DNAH1):c.6430T>C (p.Phe2144Leu)

Gene: DNAH1 (dynein axonemal heavy chain 1; plus strand). Cytogenetic location: 3p21.1.
Variant type: single nucleotide variant.
Coding change: c.6430T>C on transcript NM_015512.5 (MANE Select); coding-DNA position 6430, T replaced by C.
Protein change: p.Phe2144Leu; replaces phenylalanine 2144 with leucine.
Molecular consequence: missense variant.
Genome position (GRCh38, 1-based): chr3:52,370,730, T>C. VCF-style: chr3-52370730-T-C. GRCh37 (hg19) VCF-style: chr3-52404746-T-C.
Other names: short protein forms F2144L.
Identifiers: ClinVar variation 1417543 (VCV001417543.6), dbSNP rs768096962, ClinGen allele CA2434517.